The following is an entry in ClinVar:

NM_002471.4(MYH6):c.1745A>G (p.His582Arg)

Gene: MYH6 (myosin heavy chain 6; minus strand). Cytogenetic location: 14q11.2.
Variant type: single nucleotide variant.
Coding change: c.1745A>G on transcript NM_002471.4 (MANE Select); coding-DNA position 1745, A replaced by G.
Protein change: p.His582Arg; replaces histidine 582 with arginine.
Molecular consequence: missense variant.
Genome position (GRCh38, 1-based): chr14:23,398,874, T>C on the plus strand (A>G on the coding strand, the complement: MYH6 is on the minus strand). VCF-style: chr14-23398874-T-C. GRCh37 (hg19) VCF-style: chr14-23868083-T-C.
Other names: short protein forms H582R.
Identifiers: ClinVar variation 3668842 (VCV003668842.2).
Genomic context (GRCh38, chr14:23,398,874, plus strand): 5'-AGAGGATCCTTGTTTTTTTCCAGCCAGCCCAGGATGTTGTAGTCCACAGTGCCGGCGTAG[T>C]GGATCAGGGAGAAGTGGGCTTCCTGCTTCCCCTTGATGTTGCGTGGCTTCTGGAAATTGT-3'
Protein context (NP_002462.2, residues 572-592): GKQEAHFSLI[His582Arg]YAGTVDYNIL

ClinVar aggregate classification (germline): Uncertain significance (1 of 4 stars; one submission).

Conditions:
Hypertrophic cardiomyopathy 14. Identifiers: MedGen C2750467, MONDO:0013197, OMIM 613251.

Submission:

Labcorp Genetics (formerly Invitae), Labcorp
Classification: Uncertain significance for Hypertrophic cardiomyopathy 14. Last evaluated: 2024-04-09. Review status: criteria provided, single submitter. Criteria: Invitae Variant Classification Sherloc (09022015). Collection method: clinical testing. Allele origin: germline.
Comment: This sequence change replaces histidine, which is basic and polar, with arginine, which is basic and polar, at codon 582 of the MYH6 protein (p.His582Arg). This variant is not present in population databases (gnomAD no frequency). This variant has not been reported in the literature in individuals affected with MYH6-related conditions. Advanced modeling of protein sequence and biophysical properties (such as structural, functional, and spatial information, amino acid conservation, physicochemical variation, residue mobility, and thermodynamic stability) performed at Invitae indicates that this missense variant is expected to disrupt MYH6 protein function with a positive predictive value of 80%. In summary, the available evidence is currently insufficient to determine the role of this variant in disease. Therefore, it has been classified as a Variant of Uncertain Significance.